The following is an entry in ClinVar:

ClinVar aggregate classification (germline): Conflicting classifications of pathogenicity. Review status: criteria provided, conflicting classifications (1 of 4 stars). 10 submissions from 10 submitters: Pathogenic (1); Likely pathogenic (3); Uncertain significance (6). Last evaluated 2026-01-20.

Conditions:
RYR1-related disorder. Also called: RYR1-related disorders; RYR1-related condition. Identifiers: MedGen CN239331.
Malignant hyperthermia, susceptibility to, 1 (MHS1). Also called: RYR1-Related Malignant Hyperthermia Susceptibility; Malignant hyperthermia suceptibility 1; Anesthesia related hyperthermia; Malignant hyperpyrexia; Fulminating hyperpyrexia; Pharmacogenic myopathy. Identifiers: Orphanet 423, MedGen C2930980, MONDO:0007783, OMIM 145600.

Allele frequency attached by ClinVar (database versions not stated): gnomAD 0.00001; gnomAD exomes 0.00001; TOPMed 0.00001; ExAC 0.00006.

Submissions (10):

Labcorp Genetics (formerly Invitae), Labcorp
Classification: Pathogenic for RYR1-related disorder. Last evaluated: 2026-01-20. Review status: criteria provided, single submitter. Criteria: Invitae Variant Classification Sherloc (09022015). Collection method: clinical testing. Allele origin: germline.
Comment: This sequence change replaces proline, which is neutral and non-polar, with leucine, which is neutral and non-polar, at codon 3202 of the RYR1 protein (p.Pro3202Leu). The frequency data for this variant in the population databases is considered unreliable, as metrics indicate poor data quality at this position in the gnomAD database. This missense change has been observed in individual(s) with autosomal recessive RYR1-related myopathy (PMID: 21062345, 30611313; internal data). In at least one individual the data is consistent with being in trans (on the opposite chromosome) from a pathogenic variant. ClinVar contains an entry for this variant (Variation ID: 590634). Invitae Evidence Modeling of protein sequence and biophysical properties (such as structural, functional, and spatial information, amino acid conservation, physicochemical variation, residue mobility, and thermodynamic stability) indicates that this missense variant is expected to disrupt RYR1 protein function with a positive predictive value of 80%. For these reasons, this variant has been classified as Pathogenic.

GeneDx
Classification: Likely pathogenic. Last evaluated: 2025-10-27. Review status: criteria provided, single submitter. Criteria: GeneDx Variant Classification Process June 2021. Collection method: clinical testing. Allele origin: germline. Affected: yes.
Comment: In silico analysis supports that this missense variant has a deleterious effect on protein structure/function; Not observed at significant frequency in large population cohorts (gnomAD); This variant is associated with the following publications: (PMID: 12668474, 38162159, 21062345, 30611313)

Mayo Clinic Laboratories, Mayo Clinic
Classification: Uncertain significance. Last evaluated: 2025-03-14. Review status: criteria provided, single submitter. Criteria: ACMG Guidelines, 2015. Collection method: clinical testing. Allele origin: germline. Observed: 1 variant allele.
Comment: PP3_moderate, PM2_supporting

CeGaT Center for Human Genetics Tuebingen
Classification: Uncertain significance. Last evaluated: 2024-07-01. Review status: criteria provided, single submitter. Criteria: CeGaT Center For Human Genetics Tuebingen Variant Classification Criteria Version 2. Collection method: clinical testing. Allele origin: germline. Affected: yes. Observed: 1 variant allele.
Comment: RYR1: PM2, PP3

All of Us Research Program, National Institutes of Health
Classification: Uncertain significance for Malignant hyperthermia, susceptibility to, 1. Last evaluated: 2024-05-30. Review status: criteria provided, single submitter. Criteria: ACMG Guidelines, 2015. Collection method: clinical testing. Allele origin: germline. Inheritance: Autosomal dominant inheritance. Observed: 9 variant alleles, 9 heterozygotes.
Comment: This missense variant replaces proline with leucine at codon 3202 of the RYR1 protein. Computational prediction suggests that this variant may have deleterious impact on protein structure and function (internally defined REVEL score threshold >= 0.7, PMID: 27666373). To our knowledge, functional studies have not been reported for this variant. This variant has not been reported in individuals affected with autosomal dominant malignant hyperthermia in the literature, although it is associated with other phenotype(s) (ClinVar Variation ID: 590634) This variant has been identified in 2/156320 chromosomes in the general population by the Genome Aggregation Database (gnomAD). Due to insufficient evidence, this variant is classified as a Variant of Uncertain Significance for autosomal dominant malignant hyperthermia.

This study involves interpretation of variants in research participants for the purpose of population health screening. Participant phenotype was not available at the time of variant classification. Additional details can be found in publication PMID: 35346344, PMCID: PMC8962531

Color Diagnostics, LLC DBA Color Health
Classification: Uncertain significance for Malignant hyperthermia, susceptibility to, 1. Last evaluated: 2024-04-18. Review status: criteria provided, single submitter. Criteria: ACMG Guidelines, 2015. Collection method: clinical testing. Allele origin: germline.
Comment: This missense variant replaces proline with leucine at codon 3202 of the RYR1 protein. Computational prediction suggests that this variant may have deleterious impact on protein structure and function. To our knowledge, functional studies have not been reported for this variant. This variant has not been reported in individuals affected with autosomal dominant malignant hyperthermia in the literature, although it is associated with other phenotype(s) (ClinVar Variation ID: 590634) This variant has been identified in 2/156320 chromosomes in the general population by the Genome Aggregation Database (gnomAD). Due to insufficient evidence, this variant is classified as a Variant of Uncertain Significance for autosomal dominant malignant hyperthermia.

Revvity Omics, Revvity
Classification: Uncertain significance. Last evaluated: 2024-02-27. Review status: criteria provided, single submitter. Criteria: ACMG Guidelines, 2015. Collection method: clinical testing. Allele origin: germline.

Blueprint Genetics
Classification: Likely pathogenic for RYR1-related disorders. Last evaluated: 2022-06-01. Review status: criteria provided, single submitter. Criteria: ACMG Guidelines, 2015. Collection method: clinical testing. Allele origin: germline. Affected: yes. Observed: 1 variant allele.

Athena Diagnostics
Classification: Uncertain significance. Last evaluated: 2020-04-08. Review status: criteria provided, single submitter. Criteria: Athena Diagnostics Criteria. Collection method: clinical testing. Allele origin: unknown.

PreventionGenetics, part of Exact Sciences
Classification: Likely pathogenic. Last evaluated: 2017-06-29. Review status: criteria provided, single submitter. Criteria: ACMG Guidelines, 2015. Collection method: clinical testing. Allele origin: germline.

Literature cited by the submitters: PubMed 21062345 (cited by 3 submitters); PubMed 30611313 (cited by 3 submitters); PubMed 23069638 (cited by Mayo Clinic Laboratories, Mayo Clinic); PubMed 38162159 (cited by Mayo Clinic Laboratories, Mayo Clinic).

NM_000540.3(RYR1):c.9605C>T (p.Pro3202Leu)

Gene: RYR1 (ryanodine receptor 1; plus strand). Cytogenetic location: 19q13.2.
Variant type: single nucleotide variant.
Coding change: c.9605C>T on transcript NM_000540.3 (MANE Select); coding-DNA position 9605, C replaced by T.
Protein change: p.Pro3202Leu; replaces proline 3202 with leucine.
Molecular consequence: missense variant.
Genome position (GRCh38, 1-based): chr19:38,516,137, C>T. VCF-style: chr19-38516137-C-T. GRCh37 (hg19) VCF-style: chr19-39006777-C-T.
Other names: p.Pro3202Leu; c.9605C>T, p.Pro3202Leu (NM_001042723.2); short protein forms P3202L.
Identifiers: ClinVar variation 590634 (VCV000590634.41), dbSNP rs754002399, ClinGen allele CA073884.